The following is an entry in ClinVar:

ClinVar aggregate classification (germline): Conflicting classifications of pathogenicity. Review status: criteria provided, conflicting classifications (1 of 4 stars). 6 submissions from 6 submitters: Uncertain significance (5); Likely benign (1). Last evaluated 2026-06-25.

Conditions:
Cardiovascular phenotype. Identifiers: MedGen CN230736.
TTN-related disorder. Also called: TTN-related condition; TTN-related disease; TTN-related disorders.
Dilated cardiomyopathy 1G (CMD1G). Identifiers: Orphanet 154, MedGen C1858763, MONDO:0011400, OMIM 604145.
Autosomal recessive limb-girdle muscular dystrophy type 2J (LGMDR10). Also called: Limb-girdle muscular dystrophy, type 2J; MUSCULAR DYSTROPHY, LIMB-GIRDLE, AUTOSOMAL RECESSIVE 10. Identifiers: Orphanet 140922, MedGen C1837342, MONDO:0012127, OMIM 608807.

Allele frequency attached by ClinVar (database versions not stated): gnomAD 0.00010 and 0.00013; TOPMed 0.00013; ExAC 0.00016; gnomAD exomes 0.00016; ESP Exome Variant Server 0.00017; 1000 Genomes Project 0.00040; 1000 Genomes Project 30x 0.00047.
gnomAD v4.1: 170 of 1,613,234 alleles (0.011%); highest among the groups gnomAD compares: East Asian, 0.027%; no homozygotes.

Submissions (6):

PreventionGenetics, part of Exact Sciences
Classification: Uncertain significance for TTN-related condition. Last evaluated: 2026-06-25. Review status: criteria provided, single submitter. Criteria: ACMG Guidelines, 2015. Collection method: clinical testing. Allele origin: germline.
Comment: The TTN c.67445G>A variant is predicted to result in the amino acid substitution p.Arg22482Gln. To our knowledge, this variant has not been reported in the literature. This variant is reported in 0.028% of alleles in individuals of Latino descent in gnomAD. Although we suspect that this variant may be benign, at this time, the clinical significance of this variant is uncertain due to the absence of conclusive functional and genetic evidence.

Revvity Omics, Revvity
Classification: Uncertain significance. Last evaluated: 2021-12-19. Review status: criteria provided, single submitter. Criteria: ACMG Guidelines, 2015. Collection method: clinical testing. Allele origin: germline.

GeneDx
Classification: Likely benign. Last evaluated: 2020-06-17. Review status: criteria provided, single submitter. Criteria: GeneDx Variant Classification Process June 2021. Collection method: clinical testing. Allele origin: germline. Affected: yes.

Ambry Genetics
Classification: Uncertain significance for Cardiovascular phenotype. Last evaluated: 2019-11-01. Review status: criteria provided, single submitter. Criteria: Ambry Variant Classification Scheme 2023. Collection method: clinical testing. Allele origin: germline.
Comment: The p.R13417Q variant (also known as c.40250G>A), located in coding exon 146 of the TTN gene, results from a G to A substitution at nucleotide position 40250. The arginine at codon 13417 is replaced by glutamine, an amino acid with highly similar properties. This amino acid position is well conserved in available vertebrate species. In addition, this alteration is predicted to be tolerated by in silico analysis. Since supporting evidence is limited at this time, the clinical significance of this alteration remains unclear.

Labcorp Genetics (formerly Invitae), Labcorp
Classification: Uncertain significance for Dilated cardiomyopathy 1G; Autosomal recessive limb-girdle muscular dystrophy type 2J. Last evaluated: 2017-05-29. Review status: criteria provided, single submitter. Criteria: Invitae Variant Classification Sherloc (09022015). Collection method: clinical testing. Allele origin: germline.

Laboratory for Molecular Medicine, Mass General Brigham Personalized Medicine
Classification: Uncertain significance. Last evaluated: 2014-05-09. Review status: criteria provided, single submitter. Criteria: LMM Criteria. Collection method: clinical testing. Allele origin: germline. Observed: 1 variant allele.
Comment: The Arg19914Gln variant in TTN has not been previously reported in individuals w ith cardiomyopathy, but has been identified in 2/3800 African American chromosom es by the NHLBI Exome Sequencing Project (dbS NP rs200146608). Computational prediction tools and conservation analysis do not provide strong support for or against an impact to the protein. In summary, the clinical significance of the Arg19914Gln variant is uncertain.

NM_001267550.2(TTN):c.67445G>A (p.Arg22482Gln)

Genes: TTN (titin; minus strand), TTN-AS1 (TTN antisense RNA 1; plus strand), LOC126806423 (CDK7 strongly-dependent group 2 enhancer GRCh37_chr2:179443309-179444508; plus strand). Cytogenetic location: 2q31.2.
Variant type: single nucleotide variant.
Coding change: c.67445G>A on transcript NM_001267550.2 (MANE Select); coding-DNA position 67445, G replaced by A.
Protein change: p.Arg22482Gln; replaces arginine 22482 with glutamine.
Molecular consequence: missense variant.
Genome position (GRCh38, 1-based): chr2:178,579,752, C>T on the plus strand (G>A on the coding strand, the complement: TTN is on the minus strand). VCF-style: chr2-178579752-C-T. GRCh37 (hg19) VCF-style: chr2-179444479-C-T.
Other names: p.R20841Q:CGG>CAG; c.40250G>A, p.Arg13417Gln (NM_003319.4); c.40625G>A, p.Arg13542Gln (NM_133432.3); c.40826G>A, p.Arg13609Gln (NM_133437.4); c.62522G>A, p.Arg20841Gln (NM_001256850.1); c.59741G>A, p.Arg19914Gln (NM_133378.4); short protein forms R19914Q, R22482Q, R20841Q, R13542Q, R13609Q, R13417Q.
Identifiers: ClinVar variation 165880 (VCV000165880.14), dbSNP rs200146608, ClinGen allele CA178570.